The following is an entry in ClinVar:

NM_000138.5(FBN1):c.5495G>T (p.Arg1832Leu)

Gene: FBN1 (fibrillin 1; minus strand). Cytogenetic location: 15q21.1.
Variant type: single nucleotide variant.
Coding change: c.5495G>T on transcript NM_000138.5 (MANE Select); coding-DNA position 5495, G replaced by T.
Protein change: p.Arg1832Leu; replaces arginine 1832 with leucine.
Molecular consequence: missense variant.
Genome position (GRCh38, 1-based): chr15:48,452,612, C>A on the plus strand (G>T on the coding strand, the complement: FBN1 is on the minus strand). VCF-style: chr15-48452612-C-A. GRCh37 (hg19) VCF-style: chr15-48744809-C-A.
Other names: c.5495G>T, p.Arg1832Leu (NM_001406716.1); short protein forms R1832L.
Identifiers: ClinVar variation 2124304 (VCV002124304.4), dbSNP rs764203302, ClinGen allele CA392344162.

ClinVar aggregate classification (germline): Uncertain significance (1 of 4 stars; one submission).

Conditions:
Familial thoracic aortic aneurysm and aortic dissection (TAAD). Also called: Thoracic aortic aneurysms and dissections. Identifiers: Orphanet 91387, MedGen C4707243, MONDO:0019625.
Marfan syndrome (MFS). Also called: MARFAN SYNDROME, TYPE I; Marfan syndrome type 1; Marfan's syndrome; Marfan syndrome, classic; FBN1-Related Marfan Syndrome. Identifiers: Orphanet 284963, Orphanet 558, MedGen C0024796, MONDO:0007947, OMIM 154700.

Submission:

Labcorp Genetics (formerly Invitae), Labcorp
Classification: Uncertain significance for Marfan syndrome; Familial thoracic aortic aneurysm and aortic dissection. Last evaluated: 2022-04-10. Review status: criteria provided, single submitter. Criteria: Invitae Variant Classification Sherloc (09022015). Collection method: clinical testing. Allele origin: germline.
Comment: In summary, the available evidence is currently insufficient to determine the role of this variant in disease. Therefore, it has been classified as a Variant of Uncertain Significance. Advanced modeling of protein sequence and biophysical properties (such as structural, functional, and spatial information, amino acid conservation, physicochemical variation, residue mobility, and thermodynamic stability) performed at Invitae indicates that this missense variant is expected to disrupt FBN1 protein function. This variant has not been reported in the literature in individuals affected with FBN1-related conditions. This variant is not present in population databases (gnomAD no frequency). This sequence change replaces arginine, which is basic and polar, with leucine, which is neutral and non-polar, at codon 1832 of the FBN1 protein (p.Arg1832Leu).